The following is an entry in ClinVar:

ClinVar aggregate classification (germline): Uncertain significance (1 of 4 stars; one submission).

Allele frequency attached by ClinVar (database versions not stated): gnomAD exomes below 0.00001.
gnomAD v4.1: 3 of 1,613,978 alleles (0.00019%); highest among the groups gnomAD compares: South Asian, 0.0011%; no homozygotes.

Submission:

Labcorp Genetics (formerly Invitae), Labcorp
Classification: Uncertain significance. Last evaluated: 2025-07-28. Review status: criteria provided, single submitter. Criteria: Invitae Variant Classification Sherloc (09022015). Collection method: clinical testing. Allele origin: germline.
Comment: This sequence change replaces valine, which is neutral and non-polar, with methionine, which is neutral and non-polar, at codon 130 of the SEC61A1 protein (p.Val130Met). This variant is not present in population databases (gnomAD no frequency). This variant has not been reported in the literature in individuals affected with SEC61A1-related conditions. ClinVar contains an entry for this variant (Variation ID: 1378999). Invitae Evidence Modeling of protein sequence and biophysical properties (such as structural, functional, and spatial information, amino acid conservation, physicochemical variation, residue mobility, and thermodynamic stability) indicates that this missense variant is not expected to disrupt SEC61A1 protein function with a negative predictive value of 80%. In summary, the available evidence is currently insufficient to determine the role of this variant in disease. Therefore, it has been classified as a Variant of Uncertain Significance.

NM_013336.4(SEC61A1):c.388G>A (p.Val130Met)

Gene: SEC61A1 (SEC61 translocon subunit alpha 1; plus strand). Cytogenetic location: 3q21.3.
Variant type: single nucleotide variant.
Coding change: c.388G>A on transcript NM_013336.4 (MANE Select); coding-DNA position 388, G replaced by A.
Protein change: p.Val130Met; replaces valine 130 with methionine.
Molecular consequence: missense variant.
Genome position (GRCh38, 1-based): chr3:128,060,137, G>A. VCF-style: chr3-128060137-G-A. GRCh37 (hg19) VCF-style: chr3-127778980-G-A.
Other names: short protein forms V130M.
Identifiers: ClinVar variation 1378999 (VCV001378999.6), dbSNP rs1047083971, ClinGen allele CA83352975.